The following is an entry in ClinVar:

ClinVar aggregate classification (germline): Benign (1 of 4 stars; one submission).

Allele frequency attached by ClinVar (database versions not stated): gnomAD 0.42974; 1000 Genomes Project 30x 0.46861; TOPMed 0.46325; 1000 Genomes Project 0.46685.
gnomAD v4.1: 68,380 of 152,052 alleles (45%); highest among the groups gnomAD compares: African/African-American, 56%; 16,017 homozygotes.

Submissions (3):

GeneDx
Classification: Benign. Last evaluated: 2018-06-20. Review status: criteria provided, single submitter. Criteria: GeneDx Variant Classification (06012015). Collection method: clinical testing. Allele origin: germline. Affected: yes.
Comment: This variant is considered likely benign or benign based on one or more of the following criteria: it is a conservative change, it occurs at a poorly conserved position in the protein, it is predicted to be benign by multiple in silico algorithms, and/or has population frequency not consistent with disease.

Dr. Peter K. Rogan Lab, Western University
No classification provided (evidence only). Condition: Malignant lymphoma, large B-cell, diffuse. Review status: no classification provided. Collection method: in vitro. Allele origin: not applicable. Functional consequence: retained intron. Not counted in ClinVar's aggregate classification.

Dr. Peter K. Rogan Lab, Western University
No classification provided (evidence only). Condition: Malignant lymphoma, large B-cell, diffuse. Review status: no classification provided. Collection method: in vitro. Allele origin: not applicable. Functional consequence: retained intron. Not counted in ClinVar's aggregate classification.

NM_018979.4(WNK1):c.3845-163T>G

Gene: WNK1 (WNK lysine deficient protein kinase 1; plus strand). Cytogenetic location: 12p13.33.
Variant type: single nucleotide variant.
Coding change: c.3845-163T>G on transcript NM_018979.4 (MANE Select); 163 bases into the intron before coding-DNA position 3845, T replaced by G.
Molecular consequence: intron variant.
Genome position (GRCh38, 1-based): chr12:884,486, T>G. VCF-style: chr12-884486-T-G. GRCh37 (hg19) VCF-style: chr12-993652-T-G.
Other names: NC_000012.11:g.993652T>G; c.4601-163T>G (NM_213655.5); c.4625-163T>G (NM_001184985.2); c.3104-163T>G (NM_014823.3).
Identifiers: ClinVar variation 670866 (VCV000670866.2), dbSNP rs10849576, ClinGen allele CA13640491.